The following is an entry in ClinVar:

ClinVar aggregate classification (germline): Uncertain significance (1 of 4 stars; one submission).

Conditions:
TJP2-related disorder. Also called: TJP2-related condition.

gnomAD v4.1: 9 of 1,583,960 alleles (0.00057%); highest among the groups gnomAD compares: East Asian, 0.021%; 1 homozygote.

Submission:

PreventionGenetics, part of Exact Sciences
Classification: Uncertain significance for TJP2-related condition. Last evaluated: 2026-01-12. Review status: criteria provided, single submitter. Criteria: ACMG Guidelines, 2015. Collection method: clinical testing. Allele origin: germline.
Comment: The TJP2 c.830C>T variant is predicted to result in the amino acid substitution p.Ala277Val. To our knowledge, this variant has not been reported in the literature. This variant is reported in 0.032% of alleles in individuals of East Asian descent in gnomAD. At this time, the clinical significance of this variant is uncertain due to the absence of conclusive functional and genetic evidence.

NM_004817.4(TJP2):c.830C>T (p.Ala277Val)

Gene: TJP2 (tight junction protein 2; plus strand). Cytogenetic location: 9q21.11.
Variant type: single nucleotide variant.
Coding change: c.830C>T on transcript NM_004817.4 (MANE Select); coding-DNA position 830, C replaced by T.
Protein change: p.Ala277Val; replaces alanine 277 with valine.
Molecular consequence: missense variant.
Genome position (GRCh38, 1-based): chr9:69,221,374, C>T. VCF-style: chr9-69221374-C-T. GRCh37 (hg19) VCF-style: chr9-71836290-C-T.
Other names: c.761C>T, p.Ala254Val (NM_001170414.2, NM_001369870.1, NM_001369871.1); c.842C>T, p.Ala281Val (NM_001170415.1, NM_001369874.1, NM_001369875.1); c.923C>T, p.Ala308Val (NM_001170416.2); c.830C>T, p.Ala277Val (NM_001369872.1, NM_001369873.1, NM_201629.3); short protein forms A308V, A254V, A277V, A281V.
Identifiers: ClinVar variation 4980739 (VCV004980739.1).